The following is an entry in ClinVar:

ClinVar aggregate classification (germline): Uncertain significance (1 of 4 stars; one submission).

Allele frequency attached by ClinVar (database versions not stated): gnomAD exomes below 0.00001; ExAC 0.00004.
gnomAD v4.1: 2 of 1,541,308 alleles (0.00013%); highest among the groups gnomAD compares: Non-Finnish European, 0.00017%; no homozygotes.

Submission:

Labcorp Genetics (formerly Invitae), Labcorp
Classification: Uncertain significance. Last evaluated: 2022-07-01. Review status: criteria provided, single submitter. Criteria: Invitae Variant Classification Sherloc (09022015). Collection method: clinical testing. Allele origin: germline.
Comment: This sequence change replaces leucine, which is neutral and non-polar, with proline, which is neutral and non-polar, at codon 228 of the HMX1 protein (p.Leu228Pro). In summary, the available evidence is currently insufficient to determine the role of this variant in disease. Therefore, it has been classified as a Variant of Uncertain Significance. Algorithms developed to predict the effect of missense changes on protein structure and function (SIFT, PolyPhen-2, Align-GVGD) all suggest that this variant is likely to be disruptive. This variant has not been reported in the literature in individuals affected with HMX1-related conditions. The frequency data for this variant in the population databases is considered unreliable, as metrics indicate poor data quality at this position in the gnomAD database.

NM_018942.3(HMX1):c.683T>C (p.Leu228Pro)

Gene: HMX1 (H6 family homeobox 1; minus strand). Cytogenetic location: 4p16.1.
Variant type: single nucleotide variant.
Coding change: c.683T>C on transcript NM_018942.3 (MANE Select); coding-DNA position 683, T replaced by C.
Protein change: p.Leu228Pro; replaces leucine 228 with proline.
Molecular consequence: missense variant. On other transcripts: intron variant (1).
Genome position (GRCh38, 1-based): chr4:8,868,057, A>G on the plus strand (T>C on the coding strand, the complement: HMX1 is on the minus strand). VCF-style: chr4-8868057-A-G. GRCh37 (hg19) VCF-style: chr4-8869783-A-G.
Other names: c.394+3164T>C (NM_001306142.2); short protein forms L228P.
Identifiers: ClinVar variation 2001654 (VCV002001654.4), dbSNP rs751103963, ClinGen allele CA2854285.